The following is an entry in ClinVar:

ClinVar aggregate classification (germline): Uncertain significance (1 of 4 stars; one submission).

Submission:

CeGaT Center for Human Genetics Tuebingen
Classification: Uncertain significance. Last evaluated: 2022-07-01. Review status: criteria provided, single submitter. Criteria: CeGaT Center For Human Genetics Tuebingen Variant Classification Criteria Version 2. Collection method: clinical testing. Allele origin: germline. Affected: yes. Observed: 1 variant allele.
Comment: ZEB2: PM2, PP2

NM_014795.4(ZEB2):c.881A>C (p.Lys294Thr)

Gene: ZEB2 (zinc finger E-box binding homeobox 2; minus strand). Cytogenetic location: 2q22.3.
Variant type: single nucleotide variant.
Coding change: c.881A>C on transcript NM_014795.4 (MANE Select); coding-DNA position 881, A replaced by C.
Protein change: p.Lys294Thr; replaces lysine 294 with threonine.
Molecular consequence: missense variant.
Genome position (GRCh38, 1-based): chr2:144,401,234, T>G on the plus strand (A>C on the coding strand, the complement: ZEB2 is on the minus strand). VCF-style: chr2-144401234-T-G. GRCh37 (hg19) VCF-style: chr2-145158801-T-G.
Other names: c.809A>C, p.Lys270Thr (NM_001171653.2); short protein forms K270T, K294T.
Identifiers: ClinVar variation 1701389 (VCV001701389.31), dbSNP rs2149877956, ClinGen allele CA348713527.